The following is an entry in ClinVar:

NM_004523.4(KIF11):c.2134A>C (p.Lys712Gln)

Gene: KIF11 (kinesin family member 11; plus strand). Cytogenetic location: 10q23.33.
Variant type: single nucleotide variant.
Coding change: c.2134A>C on transcript NM_004523.4 (MANE Select); coding-DNA position 2134, A replaced by C.
Protein change: p.Lys712Gln; replaces lysine 712 with glutamine.
Molecular consequence: missense variant.
Genome position (GRCh38, 1-based): chr10:92,637,519, A>C. VCF-style: chr10-92637519-A-C. GRCh37 (hg19) VCF-style: chr10-94397276-A-C.
Other names: short protein forms K712Q.
Identifiers: ClinVar variation 5008759 (VCV005008759.1).

ClinVar aggregate classification (germline): Uncertain significance (1 of 4 stars; one submission).

Submission:

GeneDx
Classification: Uncertain significance. Last evaluated: 2026-03-06. Review status: criteria provided, single submitter. Criteria: GeneDx Variant Classification Process June 2021. Collection method: clinical testing. Allele origin: germline.
Comment: Not observed at significant frequency in large population cohorts (gnomAD); In silico analysis suggests that this missense variant does not alter protein structure/function; Has not been previously published as pathogenic or benign to our knowledge